The following is an entry in ClinVar:

ClinVar aggregate classification (germline): Uncertain significance (1 of 4 stars; one submission).

Allele frequency attached by ClinVar (database versions not stated): TOPMed below 0.00001; gnomAD exomes 0.00002; ExAC 0.00003.
gnomAD v4.1: 33 of 1,614,190 alleles (0.002%); highest among the groups gnomAD compares: Non-Finnish European, 0.0026%; no homozygotes.

Submission:

Labcorp Genetics (formerly Invitae), Labcorp
Classification: Uncertain significance. Last evaluated: 2022-06-01. Review status: criteria provided, single submitter. Criteria: Invitae Variant Classification Sherloc (09022015). Collection method: clinical testing. Allele origin: germline.
Comment: Algorithms developed to predict the effect of missense changes on protein structure and function are either unavailable or do not agree on the potential impact of this missense change (SIFT: "Deleterious"; PolyPhen-2: "Possibly Damaging"; Align-GVGD: "Class C15"). In summary, the available evidence is currently insufficient to determine the role of this variant in disease. Therefore, it has been classified as a Variant of Uncertain Significance. Algorithms developed to predict the effect of sequence changes on RNA splicing suggest that this variant may create or strengthen a splice site. This variant has not been reported in the literature in individuals affected with SRCAP-related conditions. This variant is present in population databases (rs750103036, gnomAD 0.005%). This sequence change replaces threonine, which is neutral and polar, with isoleucine, which is neutral and non-polar, at codon 1927 of the SRCAP protein (p.Thr1927Ile).

NM_006662.3(SRCAP):c.5780C>T (p.Thr1927Ile)

Gene: SRCAP (Snf2 related CREBBP activator protein; plus strand). Cytogenetic location: 16p11.2.
Variant type: single nucleotide variant.
Coding change: c.5780C>T on transcript NM_006662.3 (MANE Select); coding-DNA position 5780, C replaced by T.
Protein change: p.Thr1927Ile; replaces threonine 1927 with isoleucine.
Molecular consequence: missense variant.
Genome position (GRCh38, 1-based): chr16:30,729,087, C>T. VCF-style: chr16-30729087-C-T. GRCh37 (hg19) VCF-style: chr16-30740408-C-T.
Other names: short protein forms T1927I.
Identifiers: ClinVar variation 1927725 (VCV001927725.5), dbSNP rs750103036, ClinGen allele CA8012077.